The following is an entry in ClinVar:

ClinVar aggregate classification (germline): Uncertain significance. Review status: criteria provided, multiple submitters, no conflicts (2 of 4 stars). 2 submissions from 2 submitters: Uncertain significance (2). Last evaluated 2024-07-05.

Conditions:
Rhabdoid tumor predisposition syndrome 2 (RTPS2). Identifiers: Orphanet 231108, Orphanet 69077, MedGen C2750074, MONDO:0013224, OMIM 613325.

gnomAD v4.1: 1 of 1,613,912 alleles (0.000062%); highest among the groups gnomAD compares: Non-Finnish European, 0.000085%; no homozygotes.

Submissions (2):

Labcorp Genetics (formerly Invitae), Labcorp
Classification: Uncertain significance for Rhabdoid tumor predisposition syndrome 2. Last evaluated: 2024-07-05. Review status: criteria provided, single submitter. Criteria: Invitae Variant Classification Sherloc (09022015). Collection method: clinical testing. Allele origin: germline.
Comment: This sequence change replaces serine, which is neutral and polar, with phenylalanine, which is neutral and non-polar, at codon 1618 of the SMARCA4 protein (p.Ser1618Phe). This variant is not present in population databases (gnomAD no frequency). This variant has not been reported in the literature in individuals affected with SMARCA4-related conditions. Advanced modeling of protein sequence and biophysical properties (such as structural, functional, and spatial information, amino acid conservation, physicochemical variation, residue mobility, and thermodynamic stability) has been performed at Invitae for this missense variant, however the output from this modeling did not meet the statistical confidence thresholds required to predict the impact of this variant on SMARCA4 protein function. In summary, the available evidence is currently insufficient to determine the role of this variant in disease. Therefore, it has been classified as a Variant of Uncertain Significance.

GeneDx
Classification: Uncertain significance. Last evaluated: 2023-05-11. Review status: criteria provided, single submitter. Criteria: GeneDx Variant Classification Process June 2021. Collection method: clinical testing. Allele origin: germline. Affected: yes.
Comment: Not observed at significant frequency in large population cohorts (gnomAD); In silico analysis supports that this missense variant has a deleterious effect on protein structure/function; Has not been previously published as pathogenic or benign to our knowledge

NM_003072.5(SMARCA4):c.4757C>T (p.Ser1586Phe)

Gene: SMARCA4 (SWI/SNF related BAF chromatin remodeling complex subunit ATPase 4; plus strand). Cytogenetic location: 19p13.2.
Variant type: single nucleotide variant.
Coding change: c.4757C>T on transcript NM_003072.5 (MANE Select); coding-DNA position 4757, C replaced by T.
Protein change: p.Ser1586Phe; replaces serine 1586 with phenylalanine.
Molecular consequence: missense variant. On other transcripts: non-coding transcript variant (1).
Genome position (GRCh38, 1-based): chr19:11,059,874, C>T. VCF-style: chr19-11059874-C-T. GRCh37 (hg19) VCF-style: chr19-11170550-C-T.
Other names: c.4853C>T, p.Ser1618Phe (NM_001387283.1, NM_001128849.3); c.4754C>T, p.Ser1585Phe (NM_001411150.1); c.4757C>T, p.Ser1586Phe (NM_001128844.3); c.4667C>T, p.Ser1556Phe (NM_001128845.2); c.4664C>T, p.Ser1555Phe (NM_001128846.2); c.4658C>T, p.Ser1553Phe (NM_001128847.4, NM_001374457.1); c.4655C>T, p.Ser1552Phe (NM_001128848.2); short protein forms S1552F, S1553F, S1555F, S1556F, S1585F, S1586F, S1618F.
Identifiers: ClinVar variation 3343486 (VCV003343486.3).